The following is an entry in ClinVar:

NM_000218.3(KCNQ1):c.1032+1G>A

Gene: KCNQ1 (potassium voltage-gated channel subfamily Q member 1; plus strand). Cytogenetic location: 11p15.5.
Variant type: single nucleotide variant.
Coding change: c.1032+1G>A on transcript NM_000218.3 (MANE Select); the canonical splice donor site of the intron after coding-DNA position 1032, G replaced by A.
Molecular consequence: splice donor variant.
Genome position (GRCh38, 1-based): chr11:2,583,546, G>A. VCF-style: chr11-2583546-G-A. GRCh37 (hg19) VCF-style: chr11-2604776-G-A.
Other names: c.762+1G>A (NM_001406837.1); c.1032+1G>A (NM_001406836.1); c.588+1G>A (NM_001406838.1); c.651+1G>A (NM_181798.2).
Identifiers: ClinVar variation 52937 (VCV000052937.16), dbSNP rs397508070, ClinGen allele CA004984.
Genomic context (GRCh38, chr11:2,583,546, plus strand): 5'-GGGAAGACCATCGCCTCCTGCTTCTCTGTCTTTGCCATCTCCTTCTTTGCGCTCCCAGCG[G>A]TAGGTGCCCCGTGGGTGCGTTTTCCCTGGCTCCTTGGACAGCTGGGGTCCTGGGGTGGCT-3'

ClinVar aggregate classification (germline): Pathogenic/Likely pathogenic. Review status: criteria provided, multiple submitters, no conflicts (2 of 4 stars). 5 submissions from 5 submitters: Pathogenic (3); Likely pathogenic (1). 1 of the submissions does not count toward it. Last evaluated 2024-11-01.

Conditions:
KCNQ1-related disorder. Also called: KCNQ1-related disorders; KCNQ1-related condition. Identifiers: MedGen CN239322.
Cardiovascular phenotype. Identifiers: MedGen CN230736.
Long QT syndrome (LQTS). Identifiers: MedGen C0023976, MeSH D008133, MONDO:0002442. Disease mechanism: loss of function. Inheritance: Various modes of inheritance.

Allele frequency attached by ClinVar (database versions not stated): TOPMed below 0.00001; gnomAD 0.00001.

Submissions (5):

Blueprint Genetics
Classification: Pathogenic for KCNQ1-related disorders. Last evaluated: 2024-11-01. Review status: criteria provided, single submitter. Criteria: ACMG Guidelines, 2015. Collection method: clinical testing. Allele origin: germline. Affected: yes. Observed: 1 variant allele.

Labcorp Genetics (formerly Invitae), Labcorp
Classification: Pathogenic for Long QT syndrome. Last evaluated: 2024-03-29. Review status: criteria provided, single submitter. Criteria: Invitae Variant Classification Sherloc (09022015). Collection method: clinical testing. Allele origin: germline.
Comment: This sequence change affects a donor splice site in intron 7 of the KCNQ1 gene. It is expected to disrupt RNA splicing. Variants that disrupt the donor or acceptor splice site typically lead to a loss of protein function (PMID: 16199547), and loss-of-function variants in KCNQ1 are known to be pathogenic (PMID: 9323054, 19862833). This variant is not present in population databases (gnomAD no frequency). Disruption of this splice site has been observed in individuals with long QT syndrome (PMID: 16244680, 19716085, 26132555, 34319147, 34505893). ClinVar contains an entry for this variant (Variation ID: 52937). Algorithms developed to predict the effect of sequence changes on RNA splicing suggest that this variant may disrupt the consensus splice site. For these reasons, this variant has been classified as Pathogenic.

GeneDx
Classification: Likely pathogenic. Last evaluated: 2023-11-27. Review status: criteria provided, single submitter. Criteria: GeneDx Variant Classification Process June 2021. Collection method: clinical testing. Allele origin: germline. Affected: yes.
Comment: Canonical splice site variant expected to result in aberrant splicing, although in the absence of functional evidence the actual effect of this sequence change is unknown; Not observed at significant frequency in large population cohorts (gnomAD); This variant is associated with the following publications: (PMID: 25525159, 16244680, 19716085, 18752142, 19862833, 34319147, 34505893, 26132555)

Ambry Genetics
Classification: Pathogenic for Cardiovascular phenotype. Last evaluated: 2022-12-29. Review status: criteria provided, single submitter. Criteria: Ambry Variant Classification Scheme 2023. Collection method: clinical testing. Allele origin: germline.
Comment: The c.1032+1G>A intronic pathogenic mutation results from a G to A substitution one nucleotide after coding exon 7 of the KCNQ1 gene. This alteration has been reported in subjects with features of long QT syndrome (LQTS) and was shown to segregate with disease in one family (Kapplinger JD et al. Heart Rhythm, 2009 Sep;6:1297-303; Shigemizu D et al. PLoS One, 2015 Jul;10:e0130329; Choi SH et al. Circ Genom Precis Med, 2021 Aug;14:e003300). Another alteration impacting the same site (c.1032G>A (p.A344A)) has been shown to have a similar impact on splicing (Wuriyanghai Y et al. Heart Rhythm, 2018 Oct;15:1566-1574). This variant is considered to be rare based on population cohorts in the Genome Aggregation Database (gnomAD). Alterations that disrupt the canonical splice site are expected to cause aberrant splicing, resulting in an abnormal protein or a transcript that is subject to nonsense-mediated mRNA decay. This nucleotide position is highly conserved in available vertebrate species. In silico splice site analysis predicts that this alteration will weaken the native splice donor site and will result in the creation or strengthening of a novel splice donor site. Based on the supporting evidence, this alteration is interpreted as a disease-causing mutation.

Medical Research Institute, Tokyo Medical and Dental University
Classification: Likely pathogenic for Long QT syndrome. Review status: no assertion criteria provided. Collection method: research. Allele origin: germline. Affected: yes. Not counted in ClinVar's aggregate classification.

Literature cited by the submitters: PubMed 16199547 (cited by Labcorp Genetics (formerly Invitae), Labcorp); PubMed 9323054 (cited by Labcorp Genetics (formerly Invitae), Labcorp); PubMed 19862833 (cited by Labcorp Genetics (formerly Invitae), Labcorp); PubMed 16244680 (cited by Labcorp Genetics (formerly Invitae), Labcorp and Ambry Genetics); PubMed 19716085 (cited by Labcorp Genetics (formerly Invitae), Labcorp and Ambry Genetics); PubMed 26132555 (cited by 3 submitters); PubMed 34319147 (cited by Labcorp Genetics (formerly Invitae), Labcorp and Ambry Genetics); PubMed 34505893 (cited by Labcorp Genetics (formerly Invitae), Labcorp and Ambry Genetics); PubMed 29857160 (cited by Ambry Genetics).